The following is an entry in ClinVar:

ClinVar aggregate classification (germline): Conflicting classifications of pathogenicity. Review status: criteria provided, conflicting classifications (1 of 4 stars). 4 submissions from 4 submitters: Uncertain significance (1); Likely benign (3). Last evaluated 2026-01-18.

Conditions:
Hereditary cancer-predisposing syndrome. Also called: Hereditary Cancer Syndrome; Tumor predisposition; Neoplastic Syndromes, Hereditary; Hereditary neoplastic syndrome. Identifiers: Orphanet 140162, MedGen C0027672, MeSH D009386, MONDO:0015356.
Fanconi anemia (FA). Also called: Fanconi's anemia. Identifiers: Orphanet 84, MedGen C0015625, MeSH D005199, MONDO:0019391.

Allele frequency attached by ClinVar (database versions not stated): ExAC 0.00010; gnomAD exomes 0.00013; ESP Exome Variant Server 0.00039; gnomAD 0.00052 and 0.00055.
gnomAD v4.1: 170 of 1,317,430 alleles (0.013%); highest among the groups gnomAD compares: African/African-American, 0.16%; no homozygotes.

Submissions (4):

Labcorp Genetics (formerly Invitae), Labcorp
Classification: Likely benign for Fanconi anemia. Last evaluated: 2026-01-18. Review status: criteria provided, single submitter. Criteria: Invitae Variant Classification Sherloc (09022015). Collection method: clinical testing. Allele origin: germline.

Blueprint Genetics
Classification: Likely benign. Last evaluated: 2024-09-26. Review status: criteria provided, single submitter. Criteria: ACMG Guidelines, 2015. Collection method: clinical testing. Allele origin: germline.

GeneDx
Classification: Likely benign. Last evaluated: 2022-04-27. Review status: criteria provided, single submitter. Criteria: GeneDx Variant Classification Process June 2021. Collection method: clinical testing. Allele origin: germline. Affected: yes.
Comment: See Variant Classification Assertion Criteria.

Sema4
Classification: Uncertain significance for Hereditary cancer-predisposing syndrome. Last evaluated: 2021-07-27. Review status: criteria provided, single submitter. Criteria: Sema4 Curation Guidelines. Collection method: curation. Allele origin: germline.
Comment: The FANCM c.4673-12A>G variant has not been reported in the literature to our knowledge. It was observed in 41/24238 chromosomes of the African/African American subpopulation, with no homozygotes, in the Genome Aggregation Database (PMID: 32461654). The variant has not been reported in ClinVar. In silico tools suggest the impact of the variant on mRNA splicing is benign, though these predictions have not been confirmed by functional studies. The evidence is insufficient to meet ACMG/AMP criteria for classifying the variant as benign or pathogenic. Thus, the clinical significance of this variant is currently uncertain.

NM_020937.4(FANCM):c.4673-12A>G

Gene: FANCM (FA complementation group M; plus strand). Cytogenetic location: 14q21.2.
Variant type: single nucleotide variant.
Coding change: c.4673-12A>G on transcript NM_020937.4 (MANE Select); 12 bases into the intron before coding-DNA position 4673, A replaced by G.
Molecular consequence: intron variant.
Genome position (GRCh38, 1-based): chr14:45,187,769, A>G. VCF-style: chr14-45187769-A-G. GRCh37 (hg19) VCF-style: chr14-45656972-A-G.
Other names: c.4595-12A>G (NM_001308133.2).
Identifiers: ClinVar variation 1196834 (VCV001196834.14), dbSNP rs373163994, ClinGen allele CA7169834.
Genomic context (GRCh38, chr14:45,187,769, plus strand): 5'-TGAAGTTAAATACTTTACTGGTTTTCATTTAAATAATTTTGCTAATTTATCTAAATTCTT[A>G]TCTTTACACAGATTCTGAAATGAGAGCTATTTACATGAAATCTTTGCGTAGTCCAATGAT-3'